The following is an entry in ClinVar:

NM_001374385.1(ATP8B1):c.2098-4C>A

Genes: ATP8B1 (ATPase phospholipid transporting 8B1; minus strand), ATP8B1-AS1 (ATP8B1 antisense RNA 1; plus strand). Cytogenetic location: 18q21.31.
Variant type: single nucleotide variant.
Coding change: c.2098-4C>A on transcript NM_001374385.1 (MANE Select); 4 bases into the intron before coding-DNA position 2098, C replaced by A.
Molecular consequence: intron variant. On other transcripts: non-coding transcript variant (1).
Genome position (GRCh38, 1-based): chr18:57,668,544, G>T on the plus strand (C>A on the coding strand, the complement: ATP8B1 is on the minus strand). VCF-style: chr18-57668544-G-T. GRCh37 (hg19) VCF-style: chr18-55335776-G-T.
Other names: c.2098-4C>A (NM_005603.6); c.1948-4C>A (NM_001374386.1).
Identifiers: ClinVar variation 3035589 (VCV003035589.2), dbSNP rs2122704974, ClinGen allele CA504020471.
Genomic context (GRCh38, chr18:57,668,544, plus strand): 5'-AATGGTTTCTGGAACTCCATCCTGTAGCTTGTCTTCAATAGCTGTAGCTCCCAGGAGCTA[G>T]AATGTATATTAAAAAAAAAAAAAAAAGGAATTAGCAAACAAACCAAAAGTTTTCTGTAAT-3'

ClinVar aggregate classification (germline): Likely benign (0 of 4 stars; one submission).

Conditions:
ATP8B1-related disorder. Also called: ATP8B1-related condition; ATP8B1-related disorders.

Submission:

PreventionGenetics, part of Exact Sciences
Classification: Likely benign for ATP8B1-related condition. Last evaluated: 2021-03-19. Review status: no assertion criteria provided. Collection method: clinical testing. Allele origin: germline.
Comment: This variant is classified as likely benign based on ACMG/AMP sequence variant interpretation guidelines (Richards et al. 2015 PMID: 25741868, with internal and published modifications).